The following is an entry in ClinVar:

ClinVar aggregate classification (germline): Uncertain significance (1 of 4 stars; one submission).

Conditions:
Cardiovascular phenotype. Identifiers: MedGen CN230736.

gnomAD v4.1: 2 of 1,614,174 alleles (0.00012%); highest among the groups gnomAD compares: African/African-American, 0.0013%; no homozygotes.

Submission:

Ambry Genetics
Classification: Uncertain significance for Cardiovascular phenotype. Last evaluated: 2025-03-04. Review status: criteria provided, single submitter. Criteria: Ambry Variant Classification Scheme 2023. Collection method: clinical testing. Allele origin: germline.
Comment: The p.F3765C variant (also known as c.11294T>G), located in coding exon 46 of the AKAP9 gene, results from a T to G substitution at nucleotide position 11294. The phenylalanine at codon 3765 is replaced by cysteine, an amino acid with highly dissimilar properties. This amino acid position is conserved. In addition, this alteration is predicted to be deleterious by in silico analysis. Based on the available evidence, the clinical significance of this variant remains unclear.

NM_005751.5(AKAP9):c.11294T>G (p.Phe3765Cys)

Gene: AKAP9 (A-kinase anchoring protein 9; plus strand). Cytogenetic location: 7q21.2.
Variant type: single nucleotide variant.
Coding change: c.11294T>G on transcript NM_005751.5 (MANE Select); coding-DNA position 11294, T replaced by G.
Protein change: p.Phe3765Cys; replaces phenylalanine 3765 with cysteine.
Molecular consequence: missense variant.
Genome position (GRCh38, 1-based): chr7:92,102,790, T>G. VCF-style: chr7-92102790-T-G. GRCh37 (hg19) VCF-style: chr7-91732104-T-G.
Other names: c.5939T>G, p.Phe1980Cys (NM_001379277.1); c.11270T>G, p.Phe3757Cys (NM_147185.3); short protein forms F3757C, F3765C, F1980C.
Identifiers: ClinVar variation 3848982 (VCV003848982.1).
Genomic context (GRCh38, chr7:92,102,790, plus strand): 5'-GGCAGCCAGCTTTCACGGATCTAGAGGTGATCACCAATCGCCCAAAGGGCTTCACCAGGT[T>G]TCGGTCGGCCGTCAGAGTATCCATTGCAATTTCCAGGTAAAGACTTGAAGGAAAATGCAT-3'
Protein context (NP_005742.4, residues 3755-3775): ITNRPKGFTR[Phe3765Cys]RSAVRVSIAI